The following is an entry in ClinVar:

NM_000138.5(FBN1):c.6487G>T (p.Glu2163Ter)

Gene: FBN1 (fibrillin 1; minus strand). Cytogenetic location: 15q21.1.
Variant type: single nucleotide variant.
Coding change: c.6487G>T on transcript NM_000138.5 (MANE Select); coding-DNA position 6487, G replaced by T.
Protein change: p.Glu2163Ter; replaces glutamic acid 2163 with a stop codon.
Molecular consequence: nonsense.
Genome position (GRCh38, 1-based): chr15:48,436,970, C>A on the plus strand (G>T on the coding strand, the complement: FBN1 is on the minus strand). VCF-style: chr15-48436970-C-A. GRCh37 (hg19) VCF-style: chr15-48729167-C-A.
Other names: short protein forms E2163*.
Identifiers: ClinVar variation 432112 (VCV000432112.21), dbSNP rs1555395191, ClinGen allele CA392336293.
Genomic context (GRCh38, chr15:48,436,970, plus strand): 5'-AGCTTAATTTTTAATTTGTAAAGTTCCTATGGAAGAAAACTTATTACTCACCTACACATT[C>A]ATTCCCTGCTAGAATATAACCAAAGGGACACTCGCAGCGATAGGAACCATCTGTATTGAT-3'

ClinVar aggregate classification (germline): Pathogenic/Likely pathogenic. Review status: criteria provided, multiple submitters, no conflicts (2 of 4 stars). 5 submissions from 5 submitters: Pathogenic (4); Likely pathogenic (1). Last evaluated 2024-07-29.

Conditions:
Isolated thoracic aortic aneurysm.
Marfan syndrome (MFS). Also called: MARFAN SYNDROME, TYPE I; FBN1-Related Marfan Syndrome; Marfan syndrome type 1; Marfan's syndrome; Marfan syndrome, classic. Identifiers: Orphanet 284963, Orphanet 558, MedGen C0024796, MONDO:0007947, OMIM 154700.
Familial thoracic aortic aneurysm and aortic dissection (TAAD). Also called: Thoracic aortic aneurysms and dissections. Identifiers: Orphanet 91387, MedGen C4707243, MONDO:0019625.
FBN1-related disorder. Also called: FBN1-related disorders.

Submissions (5):

GeneDx
Classification: Pathogenic. Last evaluated: 2024-07-29. Review status: criteria provided, single submitter. Criteria: GeneDx Variant Classification Process June 2021. Collection method: clinical testing. Allele origin: germline. Affected: yes.
Comment: Has been reported in patients with Marfan syndrome and TAAD in published literature and in individuals referred for genetic testing at GeneDx (PMID: 29848614, 33824467); Not observed at significant frequency in large population cohorts (gnomAD); Nonsense variant predicted to result in protein truncation or nonsense mediated decay in a gene for which loss of function is a known mechanism of disease; This variant is associated with the following publications: (PMID: 33824467, 29848614)

Department of Clinical Genetics, Copenhagen University Hospital, Rigshospitalet
Classification: Pathogenic for Marfan syndrome. Last evaluated: 2024-03-26. Review status: criteria provided, single submitter. Criteria: ACMG Guidelines, 2015. Collection method: clinical testing. Allele origin: germline.
Comment: PVS1_VStr, PM2_M, PP3_Sup, PP4_Sup

Department of Vascular Biology, Beijing Anzhen Hospital
Classification: Likely pathogenic for Isolated thoracic aortic aneurysm. Last evaluated: 2018-09-01. Review status: criteria provided, single submitter. Criteria: ACMG Guidelines, 2015. Collection method: research. Allele origin: germline. Affected: yes.

Labcorp Genetics (formerly Invitae), Labcorp
Classification: Pathogenic for Marfan syndrome; Familial thoracic aortic aneurysm and aortic dissection. Last evaluated: 2018-02-07. Review status: criteria provided, single submitter. Criteria: Invitae Variant Classification Sherloc (09022015). Collection method: clinical testing. Allele origin: germline.
Comment: For these reasons, this variant has been classified as Pathogenic. Loss-of-function variants in FBN1 are known to be pathogenic (PMID: 17657824, 19293843). This variant has not been reported in the literature in individuals with FBN1-related disease. ClinVar contains an entry for this variant (Variation ID: 432112). This variant is not present in population databases (ExAC no frequency). This sequence change creates a premature translational stop signal (p.Glu2163*) in the FBN1 gene. It is expected to result in an absent or disrupted protein product.

ARUP Laboratories, Molecular Genetics and Genomics, ARUP Laboratories
Classification: Pathogenic. Last evaluated: 2017-11-21. Review status: criteria provided, single submitter. Criteria: ARUP Molecular Germline Variant Investigation Process. Collection method: clinical testing. Allele origin: germline.

Literature cited by the submitters: PubMed 29848614 (cited by Department of Clinical Genetics, Copenhagen University Hospital, Rigshospitalet); PubMed 17657824 (cited by Labcorp Genetics (formerly Invitae), Labcorp); PubMed 19293843 (cited by Labcorp Genetics (formerly Invitae), Labcorp).